The following is an entry in ClinVar:

ClinVar aggregate classification (germline): Uncertain significance. Review status: criteria provided, multiple submitters, no conflicts (2 of 4 stars). 2 submissions from 2 submitters: Uncertain significance (2). Last evaluated 2025-01-20.

Conditions:
Cardiovascular phenotype. Identifiers: MedGen CN230736.
Atrial fibrillation, familial, 14 (ATFB14). Identifiers: MedGen C3809312, MONDO:0014156, OMIM 615378.

gnomAD v4.1: 20 of 1,614,010 alleles (0.0012%); highest among the groups gnomAD compares: Non-Finnish European, 0.0015%; no homozygotes.

Submissions (2):

Labcorp Genetics (formerly Invitae), Labcorp
Classification: Uncertain significance for Atrial fibrillation, familial, 14. Last evaluated: 2025-01-20. Review status: criteria provided, single submitter. Criteria: Invitae Variant Classification Sherloc (09022015). Collection method: clinical testing. Allele origin: germline.
Comment: This sequence change replaces leucine, which is neutral and non-polar, with phenylalanine, which is neutral and non-polar, at codon 14 of the SCN2B protein (p.Leu14Phe). This variant is present in population databases (rs764817314, gnomAD 0.0009%). This variant has not been reported in the literature in individuals affected with SCN2B-related conditions. An algorithm developed to predict the effect of missense changes on protein structure and function outputs the following: PolyPhen-2: "Benign". The phenylalanine amino acid residue is found in multiple mammalian species, which suggests that this missense change does not adversely affect protein function. In summary, the available evidence is currently insufficient to determine the role of this variant in disease. Therefore, it has been classified as a Variant of Uncertain Significance.

Ambry Genetics
Classification: Uncertain significance for Cardiovascular phenotype. Last evaluated: 2024-09-30. Review status: criteria provided, single submitter. Criteria: Ambry Variant Classification Scheme 2023. Collection method: clinical testing. Allele origin: germline.
Comment: The p.L14F variant (also known as c.40C>T), located in coding exon 1 of the SCN2B gene, results from a C to T substitution at nucleotide position 40. The leucine at codon 14 is replaced by phenylalanine, an amino acid with highly similar properties. This amino acid position is conserved. In addition, the in silico prediction for this alteration is inconclusive. Based on the available evidence, the clinical significance of this variant remains unclear.

NM_004588.5(SCN2B):c.40C>T (p.Leu14Phe)

Gene: SCN2B (sodium voltage-gated channel beta subunit 2; minus strand). Cytogenetic location: 11q23.3.
Variant type: single nucleotide variant.
Coding change: c.40C>T on transcript NM_004588.5 (MANE Select); coding-DNA position 40, C replaced by T.
Protein change: p.Leu14Phe; replaces leucine 14 with phenylalanine.
Molecular consequence: missense variant.
Genome position (GRCh38, 1-based): chr11:118,176,392, G>A on the plus strand (C>T on the coding strand, the complement: SCN2B is on the minus strand). VCF-style: chr11-118176392-G-A. GRCh37 (hg19) VCF-style: chr11-118047107-G-A.
Other names: short protein forms L14F.
Identifiers: ClinVar variation 3438214 (VCV003438214.3).